The following is an entry in ClinVar:

NM_000388.4(CASR):c.308C>G (p.Thr103Ser)

Gene: CASR (calcium sensing receptor; plus strand). Cytogenetic location: 3q21.1.
Variant type: single nucleotide variant.
Coding change: c.308C>G on transcript NM_000388.4 (MANE Select); coding-DNA position 308, C replaced by G.
Protein change: p.Thr103Ser; replaces threonine 103 with serine.
Molecular consequence: missense variant.
Genome position (GRCh38, 1-based): chr3:122,257,203, C>G. VCF-style: chr3-122257203-C-G. GRCh37 (hg19) VCF-style: chr3-121976050-C-G.
Other names: c.308C>G, p.Thr103Ser (NM_001178065.2); short protein forms T103S.
Identifiers: ClinVar variation 4788818 (VCV004788818.1).

ClinVar aggregate classification (germline): Uncertain significance (1 of 4 stars; one submission).

Conditions:
Familial hypocalciuric hypercalcemia (FHH). Also called: Familial benign hypercalcemia. Identifiers: Orphanet 405, MedGen C1809471, MONDO:0018458.
Autosomal dominant hypocalcemia 1 (HYPOC1). Also called: HYPOCALCEMIA, FAMILIAL. Identifiers: MedGen C3715128, MONDO:0011013, OMIM 601198.

Submission:

Labcorp Genetics (formerly Invitae), Labcorp
Classification: Uncertain significance for Familial hypocalciuric hypercalcemia; Autosomal dominant hypocalcemia 1. Last evaluated: 2025-12-08. Review status: criteria provided, single submitter. Criteria: Invitae Variant Classification Sherloc (09022015). Collection method: clinical testing. Allele origin: germline.
Comment: This sequence change replaces threonine, which is neutral and polar, with serine, which is neutral and polar, at codon 103 of the CASR protein (p.Thr103Ser). This variant is not present in population databases (gnomAD no frequency). This variant has not been reported in the literature in individuals affected with CASR-related conditions. An algorithm developed to predict the effect of missense changes on protein structure and function (PolyPhen-2) suggests that this variant is likely to be disruptive. In summary, the available evidence is currently insufficient to determine the role of this variant in disease. Therefore, it has been classified as a Variant of Uncertain Significance.